The following is an entry in ClinVar:

NM_000497.4(CYP11B1):c.*1566G>T

Gene: CYP11B1 (cytochrome P450 family 11 subfamily B member 1; minus strand). Cytogenetic location: 8q24.3.
Variant type: single nucleotide variant.
Coding change: c.*1566G>T on transcript NM_000497.4 (MANE Select); 1566 bases downstream of the stop codon, G replaced by T.
Molecular consequence: 3 prime UTR variant.
Genome position (GRCh38, 1-based): chr8:142,872,807, C>A on the plus strand (G>T on the coding strand, the complement: CYP11B1 is on the minus strand). VCF-style: chr8-142872807-C-A. GRCh37 (hg19) VCF-style: chr8-143954223-C-A.
Other names: c.*1566G>T (NM_001026213.1).
Identifiers: ClinVar variation 362108 (VCV000362108.6), dbSNP rs1134096, ClinGen allele CA10630368.

ClinVar aggregate classification (germline): Benign. Review status: criteria provided, multiple submitters, no conflicts (2 of 4 stars). 3 submissions from 2 submitters: Benign (3). Last evaluated 2018-01-13.

Conditions:
Deficiency of steroid 11-beta-monooxygenase (CYP11B1). Also called: ADRENAL HYPERPLASIA, CONGENITAL, DUE TO STEROID 11-BETA-HYDROXYLASE DEFICIENCY; 11-BETA-HYDROXYLASE DEFICIENCY; ADRENAL HYPERPLASIA IV; P450C11B1 DEFICIENCY; STEROID 11-BETA-HYDROXYLASE DEFICIENCY; Congenital adrenal hyperplasia due to 11-beta-hydroxylase deficiency. Identifiers: Orphanet 90795, MedGen C0268292, MONDO:0008729, OMIM 202010. Disease mechanism: loss of function.
Glucocorticoid-remediable aldosteronism. Also called: Hyperaldosteronism, familial, type I; ACTH-DEPENDENT HYPERALDOSTERONISM SYNDROME; ALDOSTERONISM, SENSITIVE TO DEXAMETHASONE; FH I; GLUCOCORTICOID-SUPPRESSIBLE HYPERALDOSTERONISM. Identifiers: Orphanet 403, MedGen C3838731, MONDO:0007080, OMIM 103900.

Allele frequency attached by ClinVar (database versions not stated): gnomAD 0.60736 and 0.61478; TOPMed 0.61292; gnomAD exomes 0.64286; 1000 Genomes Project 30x 0.69285; 1000 Genomes Project 0.69609.

Submissions (3):

Illumina Laboratory Services, Illumina
Classification: Benign for Deficiency of steroid 11-beta-monooxygenase. Last evaluated: 2018-01-13. Review status: criteria provided, single submitter. Criteria: ICSL Variant Classification Criteria 13 December 2019. Collection method: clinical testing. Allele origin: germline.
Comment: This variant was observed in the ICSL laboratory as part of a predisposition screen in an ostensibly healthy population. It had not been previously curated by ICSL or reported in the Human Gene Mutation Database (HGMD: prior to June 1st, 2018), and was therefore a candidate for classification through an automated scoring system. Utilizing variant allele frequency, disease prevalence and penetrance estimates, and inheritance mode, an automated score was calculated to assess if this variant is too frequent to cause the disease. Based on the score and internal cut-off values, a variant classified as benign is not then subjected to further curation. The score for this variant resulted in a classification of benign for this disease.

Illumina Laboratory Services, Illumina
Classification: Benign for Glucocorticoid-remediable aldosteronism. Last evaluated: 2018-01-13. Review status: criteria provided, single submitter. Criteria: ICSL Variant Classification Criteria 13 December 2019. Collection method: clinical testing. Allele origin: germline.
Comment: the same text as in the submission from Illumina Laboratory Services, Illumina above.

Breakthrough Genomics
Classification: Benign. Review status: criteria provided, single submitter. Criteria: ACMG Guidelines, 2015. Collection method: not provided. Allele origin: germline. Inheritance: Autosomal recessive inheritance. Affected: yes.